The following is an entry in ClinVar:

ClinVar aggregate classification (germline): Likely benign. Review status: criteria provided, multiple submitters, no conflicts (2 of 4 stars). 13 submissions from 13 submitters: Likely benign (7). 6 of the submissions do not count toward it. Last evaluated 2025-10-20.

Conditions:
BRCA2-related disorder. Also called: BRCA2-related condition; BRCA2-related disorders. Identifiers: MedGen CN239275.
Hereditary cancer-predisposing syndrome. Also called: Tumor predisposition; Neoplastic Syndromes, Hereditary; Hereditary neoplastic syndrome; Hereditary Cancer Syndrome. Identifiers: Orphanet 140162, MedGen C0027672, MeSH D009386, MONDO:0015356.
Hereditary breast ovarian cancer syndrome. Also called: Hereditary breast and ovarian cancer; Hereditary breast and ovarian cancer syndrome (HBOC); Hereditary breast and/or ovarian cancer syndrome; Breast and ovarian cancer; Hereditary breast and ovarian cancer syndrome; BRCA1- and BRCA2-Associated Hereditary Breast and Ovarian Cancer. Identifiers: Orphanet 145, MedGen C0677776, MeSH D061325, MONDO:0003582. Disease mechanism: loss of function.
Breast-ovarian cancer, familial, susceptibility to, 2 (BROVCA2). Also called: BRCA2 Hereditary Breast and Ovarian Cancer. Identifiers: Orphanet 145, MedGen C2675520, MONDO:0012933, OMIM 612555. Disease mechanism: loss of function.

Allele frequency attached by ClinVar (database versions not stated): gnomAD 0.00001; gnomAD exomes 0.00001; TOPMed 0.00001; ExAC 0.00001.
gnomAD v4.1: 8 of 1,613,898 alleles (0.0005%); highest among the groups gnomAD compares: African/African-American, 0.004%; no homozygotes.

Submissions (13):

Women's Health and Genetics/Laboratory Corporation of America, LabCorp
Classification: Likely benign. Last evaluated: 2025-10-20. Review status: criteria provided, single submitter. Criteria: LabCorp Variant Classification Summary - May 2015. Collection method: clinical testing. Allele origin: germline.
Comment: Variant summary: BRCA2 c.8014A>G (p.Ile2672Val) results in a conservative amino acid change located in the BRCA2, OB1 domain (IPR015187) of the encoded protein sequence. Algorithms developed to predict the effect of missense changes on protein structure and function all suggest that this variant is likely to be tolerated. The variant allele was found at a frequency of 1.2e-05 in 250930 control chromosomes. The available data on variant occurrences in the general population are insufficient to allow any conclusion about variant significance. c.8014A>G has been reported in individuals affected with Hereditary Breast and Ovarian Cancer (e.g. Azzollini_2016, Dougherty_2017, Miller-Samuel_2011, Wong-Brown_2015). These reports do not provide unequivocal conclusions about association of the variant with Hereditary Breast and Ovarian Cancer. Co-occurrences with pathogenic variants have been reported (e.g. BRCA2, p.V1283fs*2) (e.g. Azzollini_2016, Dougherty_2017), providing supporting evidence for a benign role. Experimental evidence evaluating an impact on protein function via homology directed DNA repair activity assay, demonstrated the variant to be neutral (Guidugli_2018, Hart_2018). The following publications have been ascertained in the context of this evaluation (PMID: 19043619, 21810505, 25682074, 28525389, 29884841, 27062684, 29394989, 29680362). ClinVar contains an entry for this variant (Variation ID: 38135). Based on the evidence outlined above, the variant was classified as likely benign.

Labcorp Genetics (formerly Invitae), Labcorp
Classification: Likely benign for Hereditary breast ovarian cancer syndrome. Last evaluated: 2025-10-01. Review status: criteria provided, single submitter. Criteria: Invitae Variant Classification Sherloc (09022015). Collection method: clinical testing. Allele origin: germline.

All of Us Research Program, National Institutes of Health
Classification: Likely benign for Breast-ovarian cancer, familial, susceptibility to, 2. Last evaluated: 2023-11-20. Review status: criteria provided, single submitter. Criteria: ACMG Guidelines, 2015. Collection method: clinical testing. Allele origin: germline. Inheritance: Autosomal dominant inheritance. Observed: 2 variant alleles, 2 heterozygotes.
Comment: This study involves interpretation of variants in research participants for the purpose of population health screening. Participant phenotype was not available at the time of variant classification. Additional details can be found in publication PMID: 35346344, PMCID: PMC8962531

Quest Diagnostics Nichols Institute San Juan Capistrano
Classification: Likely benign. Last evaluated: 2023-05-04. Review status: criteria provided, single submitter. Criteria: Quest Diagnostics criteria. Collection method: clinical testing. Allele origin: unknown.

GeneDx
Classification: Likely benign. Last evaluated: 2020-12-11. Review status: criteria provided, single submitter. Criteria: GeneDx Variant Classification Process June 2021. Collection method: clinical testing. Allele origin: germline. Affected: yes.
Comment: Not observed at a significant frequency in large population cohorts (Lek et al., 2016); In silico analysis supports that this missense variant does not alter protein structure/function; This variant is associated with the following publications: (PMID: 28873162, 19043619, 25682074, 28525389, 27062684, 29394989, 21810505, 31131967, 29884841)

Ambry Genetics
Classification: Likely benign for Hereditary cancer-predisposing syndrome. Last evaluated: 2017-08-23. Review status: criteria provided, single submitter. Criteria: Ambry Variant Classification Scheme 2023. Collection method: clinical testing. Allele origin: germline.

Color Diagnostics, LLC DBA Color Health
Classification: Likely benign for Hereditary cancer-predisposing syndrome. Last evaluated: 2017-02-28. Review status: criteria provided, single submitter. Criteria: ACMG Guidelines, 2015. Collection method: clinical testing. Allele origin: germline.

BRCAlab, Lund University
Classification: Likely benign for Breast-ovarian cancer, familial, susceptibility to, 2. Last evaluated: 2024-01-17. Review status: no assertion criteria provided. Collection method: clinical testing. Allele origin: germline. Affected: yes. Not counted in ClinVar's aggregate classification.

PreventionGenetics, part of Exact Sciences
Classification: Likely benign for BRCA2-related condition. Last evaluated: 2021-05-19. Review status: no assertion criteria provided. Collection method: clinical testing. Allele origin: germline. Not counted in ClinVar's aggregate classification.
Comment: This variant is classified as likely benign based on ACMG/AMP sequence variant interpretation guidelines (Richards et al. 2015 PMID: 25741868, with internal and published modifications).

True Health Diagnostics
Classification: Likely benign for Hereditary cancer-predisposing syndrome. Last evaluated: 2018-05-03. Review status: no assertion criteria provided. Collection method: clinical testing. Allele origin: germline. Not counted in ClinVar's aggregate classification.

Sharing Clinical Reports Project (SCRP)
Classification: Likely benign for Breast-ovarian cancer, familial 2. Last evaluated: 2011-11-17. Review status: no assertion criteria provided. Collection method: clinical testing. Allele origin: germline. Not counted in ClinVar's aggregate classification.

Breast Cancer Information Core (BIC) (BRCA2)
Classification: Uncertain significance for Breast-ovarian cancer, familial 2. Review status: no assertion criteria provided. Collection method: clinical testing. Allele origin: germline. Affected: yes. Observed: 3 variant alleles. Not counted in ClinVar's aggregate classification.

Department of Pathology and Laboratory Medicine, Sinai Health System
Classification: Likely benign for Breast-ovarian cancer, familial, susceptibility to, 2. Review status: no assertion criteria provided. Collection method: clinical testing. Allele origin: unknown. Affected: yes. Study: The Canadian Open Genetics Repository (COGR). Not counted in ClinVar's aggregate classification.
Comment: The BRCA2 p.Ile2672Val variant was identified in 1 of 878 proband chromosomes (frequency: 0.001) from individuals or families with triple-negative breast cancer (Wong-Brown 2015). The variant was also identified in dbSNP (ID: rs80359037) as "With other allele ", ClinVar (classified as likely benign by Ambry Genetics, GeneDx, Color Genomics, SCRP and Integrated Genetics/Laboratory Corporation of America; as uncertain significance by Invitae and BIC), Clinvitae, MutDB, LOVD 3.0 (3x ), and in BIC (3x unknown clinical importance) databases. The variant was not identified in GeneInsight-COGR, Cosmic, UMD-LSDB, ARUP Laboratories, or Zhejiang University databases. The variant was identified in control databases in 4 of 276724 chromosomes at a frequency of 0.00001 (Genome Aggregation Database Feb 27, 2017). Breakdown of the observations by population include African in 3 of 24034 chromosomes (freq: 0.0001), European in 1 of 126390 chromosomes (freq: 0.00001), while the variant was not observed in the Other, Latino, Ashkenazi Jewish, East Asian, Finnish, or South Asian populations. The p.Ile2672 residue is not conserved in mammals and computational analyses (PolyPhen-2, SIFT, AlignGVGD, BLOSUM, MutationTaster) provide inconsistent predictions regarding the impact to the protein; this information is not very predictive of pathogenicity. The variant occurs outside of the splicing consensus sequence and 1 of 5 in silico or computational prediction software programs (SpliceSiteFinder, MaxEntScan, NNSPLICE, GeneSplicer, HumanSpliceFinder) predict a greater than 10% difference in splicing; this is not very predictive of pathogenicity. In a functional study a homology-directed DNA repair assay found the variant to act similar to a neutral variant or wild-type protein with a 99% probability of neutrality (Guidugli 2018). In addition, protein likelihood ratio in favor of protein loss of function of the variant is 0.246, and predicted to be neutral (Karchin 2008). In summary, based on the above information the clinical significance of this variant cannot be determined with certainty at this time although we would lean towards a more benign role for this variant. This variant is classified as likely benign.

Literature cited by the submitters: PubMed 19043619 (cited by 3 submitters); PubMed 21810505 (cited by 3 submitters); PubMed 25682074 (cited by Women's Health and Genetics/Laboratory Corporation of America, LabCorp and Quest Diagnostics Nichols Institute San Juan Capistrano); PubMed 28525389 (cited by Women's Health and Genetics/Laboratory Corporation of America, LabCorp); PubMed 29884841 (cited by Women's Health and Genetics/Laboratory Corporation of America, LabCorp); PubMed 27062684 (cited by Women's Health and Genetics/Laboratory Corporation of America, LabCorp and Quest Diagnostics Nichols Institute San Juan Capistrano); PubMed 29394989 (cited by Women's Health and Genetics/Laboratory Corporation of America, LabCorp and Quest Diagnostics Nichols Institute San Juan Capistrano); PubMed 29680362 (cited by Women's Health and Genetics/Laboratory Corporation of America, LabCorp); PubMed 35736817 (cited by Quest Diagnostics Nichols Institute San Juan Capistrano); PubMed 33471991 (cited by Quest Diagnostics Nichols Institute San Juan Capistrano); PubMed 33240400 (cited by Quest Diagnostics Nichols Institute San Juan Capistrano).

NM_000059.4(BRCA2):c.8014A>G (p.Ile2672Val)

Gene: BRCA2 (BRCA2 DNA repair associated; plus strand). Cytogenetic location: 13q13.1.
Variant type: single nucleotide variant.
Coding change: c.8014A>G on transcript NM_000059.4 (MANE Select); coding-DNA position 8014, A replaced by G.
Protein change: p.Ile2672Val; replaces isoleucine 2672 with valine.
Molecular consequence: missense variant.
Genome position (GRCh38, 1-based): chr13:32,363,216, A>G. VCF-style: chr13-32363216-A-G. GRCh37 (hg19) VCF-style: chr13-32937353-A-G.
Other names: p.I2672V:ATA>GTA; 8242A>G; short protein forms I2672V.
Identifiers: ClinVar variation 38135 (VCV000038135.27), dbSNP rs80359037, ClinGen allele CA025406.